The following is an entry in ClinVar:

GRCh37/hg19 16p11.2(chr16:29580020-30178406)x1

Genes: ALDOA (aldolase, fructose-bisphosphate A; plus strand), ASPHD1 (aspartate beta-hydroxylase domain containing 1; plus strand), C16orf54 (chromosome 16 open reading frame 54; minus strand), C16orf92 (chromosome 16 open reading frame 92; plus strand), CDIPT (CDP-diacylglycerol--inositol 3-phosphatidyltransferase; minus strand) and 21 more. Cytogenetic location: 16p11.2.
Variant type: copy number loss.
Change: copy number 1 (one copy instead of two) of chr16:29,580,020-30,178,406 (598.4 kb, GRCh37 coordinates, 1-based), cytogenetic band 16p11.2.
Identifiers: ClinVar variation 564324 (VCV000564324.4).

ClinVar aggregate classification (germline): Pathogenic (1 of 4 stars; one submission).

Submission:

Quest Diagnostics Nichols Institute San Juan Capistrano
Classification: Pathogenic. Last evaluated: 2022-12-07. Review status: criteria provided, single submitter. Criteria: ACMG/ClinGen CNV Guidelines, 2019. Collection method: clinical testing. Allele origin: unknown.
Comment: This copy number loss involves several genes including TBX6 (OMIM 602427) and is associated with the proximal (BP4-BP5) 16p11.2 microdeletion syndrome (OMIM 611913, Rehm et al., N Engl J Med. 2015 Jun 4;372(23):2235-42. PMID: 26014595 (ISCA-37400)). Inheritance from a normal or mildly affected parent has been reported, suggesting incomplete penetrance and variable expressivity. See GeneReviews for additional information and references.